The following is an entry in ClinVar:

ClinVar aggregate classification (germline): Uncertain significance (1 of 4 stars; one submission).

Allele frequency attached by ClinVar (database versions not stated): gnomAD exomes below 0.00001.
gnomAD v4.1: 3 of 1,610,734 alleles (0.00019%); highest among the groups gnomAD compares: Non-Finnish European, 0.000085%; no homozygotes.

Submission:

GeneDx
Classification: Uncertain significance. Last evaluated: 2018-05-11. Review status: criteria provided, single submitter. Criteria: GeneDx Variant Classification (06012015). Collection method: clinical testing. Allele origin: germline. Affected: yes.
Comment: The D1655N variant has not been published as a pathogenic variant, nor has it been reported as a benign variant to our knowledge. The variant is not observed in large population cohorts (Lek et al., 2016). D1655N is a semi-conservative amino acid substitution, which may impact secondary protein structure as these residues differ in some properties. In-silico analyses, including protein predictors and evolutionary conservation, support a deleterious effect. In summary, based on the currently available information, it is unclear whether this variant is a pathogenic variant or a rare benign variant.

NM_002473.6(MYH9):c.4963G>A (p.Asp1655Asn)

Gene: MYH9 (myosin heavy chain 9; minus strand). Cytogenetic location: 22q12.3.
Variant type: single nucleotide variant.
Coding change: c.4963G>A on transcript NM_002473.6 (MANE Select); coding-DNA position 4963, G replaced by A.
Protein change: p.Asp1655Asn; replaces aspartic acid 1655 with asparagine.
Molecular consequence: missense variant.
Genome position (GRCh38, 1-based): chr22:36,286,816, C>T on the plus strand (G>A on the coding strand, the complement: MYH9 is on the minus strand). VCF-style: chr22-36286816-C-T. GRCh37 (hg19) VCF-style: chr22-36682862-C-T.
Other names: short protein forms D1655N.
Identifiers: ClinVar variation 546158 (VCV000546158.2), dbSNP rs751002241, ClinGen allele CA411374571.
Genomic context (GRCh38, chr22:36,286,816, plus strand): 5'-GCTTCTTCTCGTTCTCTTTGGCCTGGGCCAGGATCTCCTCACGAGAGGCGCGGGTGTCAT[C>T]CAGCTCGCGCATGCAGTCCTTCATCTGGGCCTGGGGTGGGGACAGAGGCTTGGCACCCCA-3'
Protein context (NP_002464.1, residues 1645-1665): AQMKDCMREL[Asp1655Asn]DTRASREEIL